The following is an entry in ClinVar:

ClinVar aggregate classification (germline): Likely benign (1 of 4 stars; one submission).

gnomAD v4.1: 7,082 of 1,614,162 alleles (0.44%); highest among the groups gnomAD compares: Middle Eastern, 1.4%; 29 homozygotes.

Submission:

CeGaT Center for Human Genetics Tuebingen
Classification: Likely benign. Last evaluated: 2026-07-01. Review status: criteria provided, single submitter. Criteria: CeGaT Center For Human Genetics Tuebingen Variant Classification Criteria Version 2. Collection method: clinical testing. Allele origin: germline. Affected: yes. Observed: 1 variant allele.
Comment: PAN2: BP4, BP7, BS2

NM_014871.6(PAN2):c.2838A>G (p.Ala946=)

Gene: PAN2 (poly(A) specific ribonuclease subunit PAN2; minus strand). Cytogenetic location: 12q13.3.
Variant type: single nucleotide variant.
Coding change: c.2838A>G on transcript NM_014871.6 (MANE Select); coding-DNA position 2838, A replaced by G.
Protein change: p.Ala946=; no amino-acid change (alanine 946 retained).
Molecular consequence: synonymous variant.
Genome position (GRCh38, 1-based): chr12:56,319,972, T>C on the plus strand (A>G on the coding strand, the complement: PAN2 is on the minus strand). VCF-style: chr12-56319972-T-C. GRCh37 (hg19) VCF-style: chr12-56713756-T-C.
Other names: c.2850A>G, p.Ala950= (NM_001127460.4, NM_001394699.1, NM_001394703.1); c.2847A>G, p.Ala949= (NM_001166279.3, NM_001394704.1); c.2838A>G, p.Ala946= (NM_001394700.1, NM_001394705.1); c.2835A>G, p.Ala945= (NM_001394701.1, NM_001394702.1, NM_001394706.1 and 1 more transcripts); c.2421A>G, p.Ala807= (NM_001394708.1).
Identifiers: ClinVar variation 5038506 (VCV005038506.1).